The following is an entry in ClinVar:

ClinVar aggregate classification (germline): Pathogenic (3 of 4 stars; one submission).

Conditions:
Glanzmann thrombasthenia. Also called: Glanzmann's thrombasthenia; PLATELET GLYCOPROTEIN IIb-IIIa DEFICIENCY; BLEEDING DISORDER, PLATELET-TYPE, 2; THROMBASTHENIA OF GLANZMANN AND NAEGELI; Thrombasthenia. Identifiers: Orphanet 849, MedGen C0040015, MONDO:0100326.

Submission:

ClinGen Platelet Disorders Variant Curation Expert Panel, ClinGen
Classification: Pathogenic for Glanzmann thrombasthenia. Last evaluated: 2020-09-08. Review status: reviewed by expert panel. Criteria: ClinGen Platelet ACMG Specifications v2. Collection method: curation. Allele origin: germline. Inheritance: Autosomal recessive inheritance.
Comment: The ITGA2B nonsense variant NM_000419.4:c.531T>A (p.Cys177Ter) introduces a premature termination codon and the resulting mRNA product is predicted to undergo nonsense mediated decay, leading to loss of normal protein function. This variant has been observed in heterozygosity in a proband with a phenotype specific for Glanzmann's thrombasthenia (GT) and in homozygosity in an additional individual with GT. This variant has not been reported in population databases. In summary, this variant meets criteria to be classified as pathogenic for GT. GT-specific criteria applied: PVS1, PM2_supporting, PM3_supporting, and PP4_moderate.

Literature cited by the submitters: PubMed 26096001; PubMed 20020534.

NM_000419.5(ITGA2B):c.531T>A (p.Cys177Ter)

Gene: ITGA2B (integrin subunit alpha 2b; minus strand). Cytogenetic location: 17q21.31.
Variant type: single nucleotide variant.
Coding change: c.531T>A on transcript NM_000419.5 (MANE Select); coding-DNA position 531, T replaced by A.
Protein change: p.Cys177Ter; replaces cysteine 177 with a stop codon.
Molecular consequence: nonsense.
Genome position (GRCh38, 1-based): chr17:44,385,594, A>T on the plus strand (T>A on the coding strand, the complement: ITGA2B is on the minus strand). VCF-style: chr17-44385594-A-T. GRCh37 (hg19) VCF-style: chr17-42462962-A-T.
Other names: short protein forms C177*.
Identifiers: ClinVar variation 996195 (VCV000996195.2), dbSNP rs79713558, ClinGen allele CA290955739.
Genomic context (GRCh38, chr17:44,385,594, plus strand): 5'-TCGTAGCTGGCGCTTACTAAAATCATTTTCCACGTAAATGCGGCTCAGGGTGTTCCCGCG[A>T]CAGGGGGAGTACTCGGCGCGGCGGCCGCTCTCTGGCTGAGCCAAAAAGCAGCTACCTACG-3'